The following is an entry in ClinVar:

ClinVar aggregate classification (germline): Uncertain significance. Review status: criteria provided, multiple submitters, no conflicts (2 of 4 stars). 2 submissions from 2 submitters: Uncertain significance (2). Last evaluated 2026-08-24.

Conditions:
Cardiovascular phenotype. Identifiers: MedGen CN230736.
Arrhythmogenic right ventricular dysplasia 9 (ARVD9). Also called: Arrhythmogenic Right Ventricular Dysplasia/Cardiomyopathy 9; ARRHYTHMOGENIC RIGHT VENTRICULAR DYSPLASIA, FAMILIAL, 9. Identifiers: MedGen C1836906, MONDO:0012180, OMIM 609040.

Allele frequency attached by ClinVar (database versions not stated): TOPMed below 0.00001.

Submissions (2):

Ambry Genetics
Classification: Uncertain significance for Cardiovascular phenotype. Last evaluated: 2026-08-24. Review status: criteria provided, single submitter. Criteria: Ambry Variant Classification Scheme 2023. Collection method: clinical testing. Allele origin: germline.
Comment: The p.I458K variant (also known as c.1373T>A), located in coding exon 5 of the PKP2 gene, results from a T to A substitution at nucleotide position 1373. The isoleucine at codon 458 is replaced by lysine, an amino acid with dissimilar properties. This amino acid position is conserved. In addition, the in silico prediction for this alteration is inconclusive. Based on the available evidence, the clinical significance of this variant remains unclear.

Labcorp Genetics (formerly Invitae), Labcorp
Classification: Uncertain significance for Arrhythmogenic right ventricular dysplasia 9. Last evaluated: 2022-03-19. Review status: criteria provided, single submitter. Criteria: Invitae Variant Classification Sherloc (09022015). Collection method: clinical testing. Allele origin: germline.
Comment: In summary, the available evidence is currently insufficient to determine the role of this variant in disease. Therefore, it has been classified as a Variant of Uncertain Significance. Algorithms developed to predict the effect of missense changes on protein structure and function (SIFT, PolyPhen-2, Align-GVGD) all suggest that this variant is likely to be disruptive. This missense change has been observed in individual(s) with arrhythmogenic right ventricular cardiomyopathy (PMID: 31737537). This variant is not present in population databases (gnomAD no frequency). This sequence change replaces isoleucine, which is neutral and non-polar, with lysine, which is basic and polar, at codon 458 of the PKP2 protein (p.Ile458Lys).

Literature cited by the submitters: PubMed 31737537 (cited by Labcorp Genetics (formerly Invitae), Labcorp).

NM_001005242.3(PKP2):c.1373T>A (p.Ile458Lys)

Gene: PKP2 (plakophilin 2; minus strand). Cytogenetic location: 12p11.21.
Variant type: single nucleotide variant.
Coding change: c.1373T>A on transcript NM_001005242.3 (MANE Select); coding-DNA position 1373, T replaced by A.
Protein change: p.Ile458Lys; replaces isoleucine 458 with lysine.
Molecular consequence: missense variant.
Genome position (GRCh38, 1-based): chr12:32,850,771, A>T on the plus strand (T>A on the coding strand, the complement: PKP2 is on the minus strand). VCF-style: chr12-32850771-A-T. GRCh37 (hg19) VCF-style: chr12-33003705-A-T.
Other names: c.1373T>A, p.Ile458Lys (NM_004572.4); c.1373T>A (NM_004572.3); short protein forms I458K.
Identifiers: ClinVar variation 1473062 (VCV001473062.9), dbSNP rs1036553117, ClinGen allele CA235255226.